The following is an entry in ClinVar:

NM_002474.3(MYH11):c.2902A>G (p.Lys968Glu)

Gene: MYH11 (myosin heavy chain 11; minus strand). Cytogenetic location: 16p13.11.
Variant type: single nucleotide variant.
Coding change: c.2902A>G on transcript NM_002474.3 (MANE Select); coding-DNA position 2902, A replaced by G.
Protein change: p.Lys968Glu; replaces lysine 968 with glutamic acid.
Molecular consequence: missense variant.
Genome position (GRCh38, 1-based): chr16:15,740,146, T>C on the plus strand (A>G on the coding strand, the complement: MYH11 is on the minus strand). VCF-style: chr16-15740146-T-C. GRCh37 (hg19) VCF-style: chr16-15834003-T-C.
Other names: c.2923A>G, p.Lys975Glu (NM_001040113.2, NM_001040114.2); c.2902A>G, p.Lys968Glu (NM_022844.3); short protein forms K968E, K975E.
Identifiers: ClinVar variation 1171198 (VCV001171198.3), dbSNP rs2151248150, ClinGen allele CA394864782.

ClinVar aggregate classification (germline): Uncertain significance (1 of 4 stars; one submission).

Conditions:
Familial thoracic aortic aneurysm and aortic dissection (TAAD). Also called: Thoracic aortic aneurysms and dissections. Identifiers: Orphanet 91387, MedGen C4707243, MONDO:0019625.

Submission:

Color Diagnostics, LLC DBA Color Health
Classification: Uncertain significance for Familial thoracic aortic aneurysm and aortic dissection. Last evaluated: 2024-03-06. Review status: criteria provided, single submitter. Criteria: ACMG Guidelines, 2015. Collection method: clinical testing. Allele origin: germline.
Comment: This missense variant replaces lysine with glutamic acid at codon 975 of the MYH11 protein. Computational prediction suggests that this variant may have deleterious impact on protein structure and function (internally defined REVEL score threshold >= 0.7, PMID: 27666373). To our knowledge, functional studies have not been reported for this variant. This variant has not been reported in individuals affected with cardiovascular disorders in the literature. This variant has not been identified in the general population by the Genome Aggregation Database (gnomAD). The available evidence is insufficient to determine the role of this variant in disease conclusively. Therefore, this variant is classified as a Variant of Uncertain Significance.